The following is an entry in ClinVar:

ClinVar aggregate classification (germline): Benign (1 of 4 stars; one submission).

Conditions:
Deficiency of isobutyryl-CoA dehydrogenase. Also called: ACYL-CoA DEHYDROGENASE FAMILY, MEMBER 8, DEFICIENCY OF; IBD DEFICIENCY; ACAD8 DEFICIENCY. Identifiers: Orphanet 79159, MedGen C1969809, MONDO:0012648, OMIM 611283.

Allele frequency attached by ClinVar (database versions not stated): gnomAD 0.00501 and 0.00538; 1000 Genomes Project 0.00519; TOPMed 0.00519; 1000 Genomes Project 30x 0.00593.

Submission:

Illumina Laboratory Services, Illumina
Classification: Benign for Deficiency of isobutyryl-CoA dehydrogenase. Last evaluated: 2018-01-13. Review status: criteria provided, single submitter. Criteria: ICSL Variant Classification Criteria 13 December 2019. Collection method: clinical testing. Allele origin: germline.
Comment: This variant was observed in the ICSL laboratory as part of a predisposition screen in an ostensibly healthy population. It had not been previously curated by ICSL or reported in the Human Gene Mutation Database (HGMD: prior to June 1st, 2018), and was therefore a candidate for classification through an automated scoring system. Utilizing variant allele frequency, disease prevalence and penetrance estimates, and inheritance mode, an automated score was calculated to assess if this variant is too frequent to cause the disease. Based on the score and internal cut-off values, a variant classified as benign is not then subjected to further curation. The score for this variant resulted in a classification of benign for this disease.

NM_014384.3(ACAD8):c.*683A>G

Gene: ACAD8 (acyl-CoA dehydrogenase family member 8; plus strand). Cytogenetic location: 11q25.
Variant type: single nucleotide variant.
Coding change: c.*683A>G on transcript NM_014384.3 (MANE Select); 683 bases downstream of the stop codon, A replaced by G.
Molecular consequence: 3 prime UTR variant.
Genome position (GRCh38, 1-based): chr11:134,265,643, A>G. VCF-style: chr11-134265643-A-G. GRCh37 (hg19) VCF-style: chr11-134135537-A-G.
Identifiers: ClinVar variation 878441 (VCV000878441.4), dbSNP rs112534410, ClinGen allele CA231282733.
Genomic context (GRCh38, chr11:134,265,643, plus strand): 5'-GTTGGGTTTCATGTTAAGAAGCCTGTGGTCTAGGAGTGCTATTCAGTGTTTCTTTTCCTG[A>G]TAAACACTTTGAATATTTTTTTTGTGTTTTTGTTTCCTTTTCTGAAGCTGTTCCTCCTTT-3'